The following is an entry in ClinVar:

ClinVar aggregate classification (germline): Uncertain significance (1 of 4 stars; one submission).

Allele frequency attached by ClinVar (database versions not stated): gnomAD exomes below 0.00001.
gnomAD v4.1: 1 of 1,614,196 alleles (0.000062%); highest among the groups gnomAD compares: Non-Finnish European, 0.000085%; no homozygotes.

Submission:

Labcorp Genetics (formerly Invitae), Labcorp
Classification: Uncertain significance. Last evaluated: 2023-05-04. Review status: criteria provided, single submitter. Criteria: Invitae Variant Classification Sherloc (09022015). Collection method: clinical testing. Allele origin: germline.
Comment: In summary, the available evidence is currently insufficient to determine the role of this variant in disease. Therefore, it has been classified as a Variant of Uncertain Significance. Advanced modeling of protein sequence and biophysical properties (such as structural, functional, and spatial information, amino acid conservation, physicochemical variation, residue mobility, and thermodynamic stability) performed at Invitae indicates that this missense variant is not expected to disrupt ATP1A1 protein function. This variant has not been reported in the literature in individuals affected with ATP1A1-related conditions. This variant is not present in population databases (gnomAD no frequency). This sequence change replaces asparagine, which is neutral and polar, with serine, which is neutral and polar, at codon 233 of the ATP1A1 protein (p.Asn233Ser).

NM_000701.8(ATP1A1):c.698A>G (p.Asn233Ser)

Gene: ATP1A1 (ATPase Na+/K+ transporting subunit alpha 1; plus strand). Cytogenetic location: 1p13.1.
Variant type: single nucleotide variant.
Coding change: c.698A>G on transcript NM_000701.8 (MANE Select); coding-DNA position 698, A replaced by G.
Protein change: p.Asn233Ser; replaces asparagine 233 with serine.
Molecular consequence: missense variant.
Genome position (GRCh38, 1-based): chr1:116,388,963, A>G. VCF-style: chr1-116388963-A-G. GRCh37 (hg19) VCF-style: chr1-116931585-A-G.
Other names: c.698A>G, p.Asn233Ser (NM_001160233.2); c.605A>G, p.Asn202Ser (NM_001160234.2); short protein forms N202S, N233S.
Identifiers: ClinVar variation 2995214 (VCV002995214.3), dbSNP rs1424170832, ClinGen allele CA341842903.
Genomic context (GRCh38, chr1:116,388,963, plus strand): 5'-TGGATAACTCCTCGCTCACTGGTGAATCAGAACCCCAGACTAGGTCTCCAGATTTCACAA[A>G]TGAAAACCCCCTGGAGACGAGGAACATTGCCTTCTTTTCAACCAATTGTGTTGAAGGTAG-3'
Protein context (NP_000692.2, residues 223-243): EPQTRSPDFT[Asn233Ser]ENPLETRNIA